The following is an entry in ClinVar:

ClinVar aggregate classification (germline): Uncertain significance (1 of 4 stars; one submission).

Submission:

GeneDx
Classification: Uncertain significance. Last evaluated: 2023-11-15. Review status: criteria provided, single submitter. Criteria: GeneDx Variant Classification Process June 2021. Collection method: clinical testing. Allele origin: germline. Affected: yes.
Comment: Not observed at significant frequency in large population cohorts (gnomAD); In-frame deletion of 17 amino acids in a non-repeat region; In silico analysis supports a deleterious effect on protein structure/function; Has not been previously published as pathogenic or benign to our knowledge

NM_013275.6(ANKRD11):c.5730_5780del (p.Asp1910_Pro1926del)

Gene: ANKRD11 (ankyrin repeat domain containing 11; minus strand). Cytogenetic location: 16q24.3.
Variant type: Deletion.
Coding change: c.5730_5780del on transcript NM_013275.6 (MANE Select); coding-DNA positions 5730 to 5780, 51 bases deleted.
Protein change: p.Asp1910_Pro1926del.
Genome position (GRCh38, 1-based): chr16:89,280,762-89,280,812, 51 bases deleted. GRCh37 (hg19): chr16:89,347,178-89,347,228.
Other names: c.5730_5780del, p.Asp1910_Pro1926del (NM_001256182.2, NM_001256183.2).
Identifiers: ClinVar variation 3364467 (VCV003364467.1).